The following is an entry in ClinVar:

NM_173689.7(CRB2):c.941-9_941-8insG

Gene: CRB2 (crumbs cell polarity complex component 2; plus strand). Cytogenetic location: 9q33.3.
Variant type: Insertion.
Coding change: c.941-9_941-8insG on transcript NM_173689.7 (MANE Select); 9 bases into the intron before coding-DNA position 941 through 8 bases into the intron before coding-DNA position 941, G inserted.
Molecular consequence: intron variant.
Genome position: GRCh38 VCF-style: chr9-123367564-C-CG. GRCh37 (hg19) VCF-style: chr9-126129843-C-CG.
Other names: c.941-9_941-8insG (NM_173689.6).
Identifiers: ClinVar variation 1606076 (VCV001606076.9), dbSNP rs2041955281, ClinGen allele CA1128946507.

ClinVar aggregate classification (germline): Likely benign. Review status: criteria provided, multiple submitters, no conflicts (2 of 4 stars). 2 submissions from 2 submitters: Likely benign (2). Last evaluated 2026-04-12.

Conditions:
CRB2-related disorder. Also called: CRB2-related disorders; CRB2-related condition.

Allele frequency attached by ClinVar (database versions not stated): gnomAD 0.00001; gnomAD exomes 0.00001.

Submissions (2):

PreventionGenetics, part of Exact Sciences
Classification: Likely benign for CRB2-related condition. Last evaluated: 2026-04-12. Review status: criteria provided, single submitter. Criteria: ACMG Guidelines, 2015. Collection method: clinical testing. Allele origin: germline.
Comment: This variant is classified as likely benign based on ACMG/AMP sequence variant interpretation guidelines (Richards et al. 2015 PMID: 25741868, with internal and published modifications).

Labcorp Genetics (formerly Invitae), Labcorp
Classification: Likely benign. Last evaluated: 2021-09-29. Review status: criteria provided, single submitter. Criteria: Invitae Variant Classification Sherloc (09022015). Collection method: clinical testing. Allele origin: germline.